The following is an entry in ClinVar:

ClinVar aggregate classification (germline): Uncertain significance (1 of 4 stars; one submission).

Conditions:
Familial cold autoinflammatory syndrome 3 (FCAS3). Also called: FAMILIAL ATYPICAL COLD URTICARIA; ANTIBODY DEFICIENCY AND IMMUNE DYSREGULATION, PLCG2-ASSOCIATED. Identifiers: Orphanet 300359, MedGen C3280914, MONDO:0013766, OMIM 614468.

Submission:

Labcorp Genetics (formerly Invitae), Labcorp
Classification: Uncertain significance for Familial cold autoinflammatory syndrome 3. Last evaluated: 2021-06-13. Review status: criteria provided, single submitter. Criteria: Invitae Variant Classification Sherloc (09022015). Collection method: clinical testing. Allele origin: germline.
Comment: In summary, the available evidence is currently insufficient to determine the role of this variant in disease. Therefore, it has been classified as a Variant of Uncertain Significance. Experimental studies and prediction algorithms are not available or were not evaluated, and the functional significance of this variant is currently unknown. This variant has not been reported in the literature in individuals with PLCG2-related conditions. This variant is not present in population databases (ExAC no frequency). This sequence change creates a premature translational stop signal (p.Leu126*) in the PLCG2 gene. It is expected to result in an absent or disrupted protein product. However, the current clinical and genetic evidence is not sufficient to establish whether loss-of-function variants in PLCG2 cause disease.

NM_002661.5(PLCG2):c.359_374dup (p.Gly125_Leu126insTer)

Gene: PLCG2 (phospholipase C gamma 2; plus strand). Cytogenetic location: 16q23.3.
Variant type: Duplication.
Coding change: c.359_374dup on transcript NM_002661.5 (MANE Select); coding-DNA positions 359 to 374, 16 bases duplicated (TTAACTGGCTCTCTGG).
Protein change: p.Gly125_Leu126insTer.
Molecular consequence: nonsense, inframe insertion.
Genome position (GRCh38, 1-based): chr16:81,858,284-81,858,299, TTAACTGGCTCTCTGG duplicated; duplicating any 16 consecutive bases within chr16:81,858,283-81,858,299 gives the same sequence; the c. name uses the placement nearest the transcript's 3' end. VCF-style (leftmost placement, unchanged base first): chr16-81858282-A-AGTTAACTGGCTCTCTG. GRCh37 (hg19) VCF-style: chr16-81891887-A-AGTTAACTGGCTCTCTG.
Identifiers: ClinVar variation 1422143 (VCV001422143.6), dbSNP rs2143487402, ClinGen allele CA2573152731.